The following is an entry in ClinVar:

NM_005676.5(RBM10):c.2588G>A (p.Ser863Asn)

Gene: RBM10 (RNA binding motif protein 10; plus strand). Cytogenetic location: Xp11.3.
Variant type: single nucleotide variant.
Coding change: c.2588G>A on transcript NM_005676.5 (MANE Select); coding-DNA position 2588, G replaced by A.
Protein change: p.Ser863Asn; replaces serine 863 with asparagine.
Molecular consequence: missense variant.
Genome position (GRCh38, 1-based): chrX:47,186,308, G>A. VCF-style: chrX-47186308-G-A. GRCh37 (hg19) VCF-style: chrX-47045707-G-A.
Other names: c.2357G>A, p.Ser786Asn (NM_001204466.2); c.2585G>A, p.Ser862Asn (NM_001204467.2); c.2783G>A, p.Ser928Asn (NM_001204468.2); c.2780G>A, p.Ser927Asn (NM_001440861.1); c.2552G>A, p.Ser851Asn (NM_001440862.1); c.2549G>A, p.Ser850Asn (NM_001440863.1); c.2354G>A, p.Ser785Asn (NM_152856.3); short protein forms S785N, S862N, S928N, S786N, S851N, S863N, S850N, S927N.
Identifiers: ClinVar variation 4764122 (VCV004764122.1).

ClinVar aggregate classification (germline): Uncertain significance (1 of 4 stars; one submission).

gnomAD v4.1: 2 of 1,205,644 alleles (0.00017%); highest among the groups gnomAD compares: African/African-American, 0.0017%; no homozygotes.

Submission:

Labcorp Genetics (formerly Invitae), Labcorp
Classification: Uncertain significance. Last evaluated: 2025-08-20. Review status: criteria provided, single submitter. Criteria: Invitae Variant Classification Sherloc (09022015). Collection method: clinical testing. Allele origin: germline.
Comment: This sequence change replaces serine, which is neutral and polar, with asparagine, which is neutral and polar, at codon 863 of the RBM10 protein (p.Ser863Asn). This variant is not present in population databases (gnomAD no frequency). This variant has not been reported in the literature in individuals affected with RBM10-related conditions. Invitae Evidence Modeling of protein sequence and biophysical properties (such as structural, functional, and spatial information, amino acid conservation, physicochemical variation, residue mobility, and thermodynamic stability) indicates that this missense variant is not expected to disrupt RBM10 protein function with a negative predictive value of 80%. In summary, the available evidence is currently insufficient to determine the role of this variant in disease. Therefore, it has been classified as a Variant of Uncertain Significance.